The following is an entry in ClinVar:

ClinVar aggregate classification (germline): Conflicting classifications of pathogenicity. Review status: criteria provided, conflicting classifications (1 of 4 stars). 3 submissions from 3 submitters: Uncertain significance (2); Likely benign (1). Last evaluated 2025-09-24.

Conditions:
DICER1-related tumor predisposition. Also called: DICER1-related pleuropulmonary blastoma cancer predisposition syndrome; DICER1 syndrome. Identifiers: Orphanet 284343, MedGen C3839822, MONDO:0100216.
Hereditary cancer-predisposing syndrome. Also called: Hereditary neoplastic syndrome; Neoplastic Syndromes, Hereditary; Tumor predisposition; Hereditary Cancer Syndrome. Identifiers: Orphanet 140162, MedGen C0027672, MeSH D009386, MONDO:0015356.

Allele frequency attached by ClinVar (database versions not stated): gnomAD exomes 0.00001; ExAC 0.00002.
gnomAD v4.1: 3 of 1,563,240 alleles (0.00019%); highest among the groups gnomAD compares: Non-Finnish European, 0.00026%; no homozygotes.

Submissions (3):

Ambry Genetics
Classification: Likely benign for Hereditary cancer-predisposing syndrome. Last evaluated: 2025-09-24. Review status: criteria provided, single submitter. Criteria: Ambry Variant Classification Scheme 2023. Collection method: clinical testing. Allele origin: germline.

Labcorp Genetics (formerly Invitae), Labcorp
Classification: Uncertain significance for DICER1-related tumor predisposition. Last evaluated: 2025-04-17. Review status: criteria provided, single submitter. Criteria: Invitae Variant Classification Sherloc (09022015). Collection method: clinical testing. Allele origin: germline.
Comment: This sequence change replaces asparagine, which is neutral and polar, with serine, which is neutral and polar, at codon 285 of the DICER1 protein (p.Asn285Ser). This variant is present in population databases (rs748847398, gnomAD 0.003%). This variant has not been reported in the literature in individuals affected with DICER1-related conditions. ClinVar contains an entry for this variant (Variation ID: 485540). Invitae Evidence Modeling of protein sequence and biophysical properties (such as structural, functional, and spatial information, amino acid conservation, physicochemical variation, residue mobility, and thermodynamic stability) indicates that this missense variant is not expected to disrupt DICER1 protein function with a negative predictive value of 95%. In summary, the available evidence is currently insufficient to determine the role of this variant in disease. Therefore, it has been classified as a Variant of Uncertain Significance.

Hereditary Cancer Group, L’Institut d'Investigació Biomèdica de Bellvitge
Classification: Uncertain significance for Hereditary cancer-predisposing syndrome. Last evaluated: 2024-12-19. Review status: criteria provided, single submitter. Criteria: Hatton et al. (Hum Mutat. 2023). Collection method: clinical testing. Allele origin: germline. Inheritance: Autosomal dominant inheritance. Affected: yes.
Comment: BP4

NM_177438.3(DICER1):c.854A>G (p.Asn285Ser)

Gene: DICER1 (dicer 1, ribonuclease III; minus strand). Cytogenetic location: 14q32.13.
Variant type: single nucleotide variant.
Coding change: c.854A>G on transcript NM_177438.3 (MANE Select); coding-DNA position 854, A replaced by G.
Protein change: p.Asn285Ser; replaces asparagine 285 with serine.
Molecular consequence: missense variant.
Genome position (GRCh38, 1-based): chr14:95,126,629, T>C on the plus strand (A>G on the coding strand, the complement: DICER1 is on the minus strand). VCF-style: chr14-95126629-T-C. GRCh37 (hg19) VCF-style: chr14-95592966-T-C.
Other names: c.854A>G, p.Asn285Ser (NM_001195573.1, NM_001271282.3, NM_001291628.2 and 1 more transcripts); short protein forms N285S.
Identifiers: ClinVar variation 485540 (VCV000485540.18), dbSNP rs748847398, ClinGen allele CA7331563.